The following is an entry in ClinVar:

NM_002529.4(NTRK1):c.1522C>A (p.Arg508=)

Gene: NTRK1 (neurotrophic receptor tyrosine kinase 1; plus strand). Cytogenetic location: 1q23.1.
Variant type: single nucleotide variant.
Coding change: c.1522C>A on transcript NM_002529.4 (MANE Select); coding-DNA position 1522, C replaced by A.
Protein change: p.Arg508=; no amino-acid change (arginine 508 retained).
Molecular consequence: synonymous variant.
Genome position (GRCh38, 1-based): chr1:156,876,100, C>A. VCF-style: chr1-156876100-C-A. GRCh37 (hg19) VCF-style: chr1-156845892-C-A.
Other names: c.1414C>A, p.Arg472= (NM_001007792.1); c.1504C>A, p.Arg502= (NM_001012331.2); c.1522C>A (NM_002529.3).
Identifiers: ClinVar variation 292887 (VCV000292887.22), dbSNP rs200575096, ClinGen allele CA1169373.

ClinVar aggregate classification (germline): Likely benign. Review status: criteria provided, multiple submitters, no conflicts (2 of 4 stars). 5 submissions from 5 submitters: Likely benign (4). 1 of the submissions does not count toward it. Last evaluated 2026-04-01.

Conditions:
NTRK1-related disorder. Also called: NTRK1-related condition.
Inborn genetic diseases. Identifiers: MedGen C0950123, MeSH D030342.
Hereditary insensitivity to pain with anhidrosis (CIPA). Also called: HSAN Type IV; hereditary sensory and autonomic neuropathy type 4; INSENSITIVITY TO PAIN, CONGENITAL, WITH ANHIDROSIS; FAMILIAL DYSAUTONOMIA, TYPE II; NTRK1 Congenital Insensitivity to Pain with Anhidrosis; NEUROPATHY, CONGENITAL SENSORY, WITH ANHIDROSIS. Identifiers: Orphanet 642, MedGen C0020074, MONDO:0009746, OMIM 256800.

Allele frequency attached by ClinVar (database versions not stated): gnomAD 0.00006; TOPMed 0.00006; ESP Exome Variant Server 0.00015; 1000 Genomes Project 0.00020; 1000 Genomes Project 30x 0.00031.
gnomAD v4.1: 225 of 1,614,192 alleles (0.014%); highest among the groups gnomAD compares: Non-Finnish European, 0.019%; no homozygotes.

Submissions (5):

CeGaT Center for Human Genetics Tuebingen
Classification: Likely benign. Last evaluated: 2026-04-01. Review status: criteria provided, single submitter. Criteria: CeGaT Center For Human Genetics Tuebingen Variant Classification Criteria Version 2. Collection method: clinical testing. Allele origin: germline. Affected: yes. Observed: 1 variant allele.
Comment: NTRK1: BP4, BP7

Labcorp Genetics (formerly Invitae), Labcorp
Classification: Likely benign for Hereditary insensitivity to pain with anhidrosis. Last evaluated: 2026-01-19. Review status: criteria provided, single submitter. Criteria: Invitae Variant Classification Sherloc (09022015). Collection method: clinical testing. Allele origin: germline.

Ambry Genetics
Classification: Likely benign for Inborn genetic diseases. Last evaluated: 2019-07-11. Review status: criteria provided, single submitter. Criteria: Ambry Variant Classification Scheme 2023. Collection method: clinical testing. Allele origin: germline.

GeneDx
Classification: Likely benign. Last evaluated: 2018-01-12. Review status: criteria provided, single submitter. Criteria: GeneDx Variant Classification (06012015). Collection method: clinical testing. Allele origin: germline. Affected: yes.
Comment: This variant is considered likely benign or benign based on one or more of the following criteria: it is a conservative change, it occurs at a poorly conserved position in the protein, it is predicted to be benign by multiple in silico algorithms, and/or has population frequency not consistent with disease.

PreventionGenetics, part of Exact Sciences
Classification: Likely benign for NTRK1-related condition. Last evaluated: 2019-07-23. Review status: no assertion criteria provided. Collection method: clinical testing. Allele origin: germline. Not counted in ClinVar's aggregate classification.
Comment: This variant is classified as likely benign based on ACMG/AMP sequence variant interpretation guidelines (Richards et al. 2015 PMID: 25741868, with internal and published modifications).